The following is an entry in ClinVar:

NM_006231.4(POLE):c.3716A>T (p.Gln1239Leu)

Gene: POLE (DNA polymerase epsilon, catalytic subunit; minus strand). Cytogenetic location: 12q24.33.
Variant type: single nucleotide variant.
Coding change: c.3716A>T on transcript NM_006231.4 (MANE Select); coding-DNA position 3716, A replaced by T.
Protein change: p.Gln1239Leu; replaces glutamine 1239 with leucine.
Molecular consequence: missense variant.
Genome position (GRCh38, 1-based): chr12:132,649,756, T>A on the plus strand (A>T on the coding strand, the complement: POLE is on the minus strand). VCF-style: chr12-132649756-T-A. GRCh37 (hg19) VCF-style: chr12-133226342-T-A.
Other names: short protein forms Q1239L.
Identifiers: ClinVar variation 935769 (VCV000935769.14), dbSNP rs146210785, ClinGen allele CA387386392.

ClinVar aggregate classification (germline): Uncertain significance. Review status: criteria provided, multiple submitters, no conflicts (2 of 4 stars). 3 submissions from 3 submitters: Uncertain significance (2). 1 of the submissions does not count toward it. Last evaluated 2022-04-05.

Conditions:
POLE-related disorder. Also called: POLE-related condition; POLE-related disorders.
Hereditary cancer-predisposing syndrome. Also called: Tumor predisposition; Hereditary neoplastic syndrome; Hereditary Cancer Syndrome; Neoplastic Syndromes, Hereditary. Identifiers: Orphanet 140162, MedGen C0027672, MeSH D009386, MONDO:0015356.

Submissions (3):

Ambry Genetics
Classification: Uncertain significance for Hereditary cancer-predisposing syndrome. Last evaluated: 2022-04-05. Review status: criteria provided, single submitter. Criteria: Ambry Variant Classification Scheme 2023. Collection method: clinical testing. Allele origin: germline.
Comment: The p.Q1239L variant (also known as c.3716A>T), located in coding exon 30 of the POLE gene, results from an A to T substitution at nucleotide position 3716. The glutamine at codon 1239 is replaced by leucine, an amino acid with dissimilar properties. This amino acid position is conserved. In addition, this alteration is predicted to be tolerated by in silico analysis. Since supporting evidence is limited at this time, the clinical significance of this alteration remains unclear.

Labcorp Genetics (formerly Invitae), Labcorp
Classification: Uncertain significance. Last evaluated: 2019-07-26. Review status: criteria provided, single submitter. Criteria: Invitae Variant Classification Sherloc (09022015). Collection method: clinical testing. Allele origin: germline.
Comment: In summary, the available evidence is currently insufficient to determine the role of this variant in disease. Therefore, it has been classified as a Variant of Uncertain Significance. Algorithms developed to predict the effect of missense changes on protein structure and function (SIFT, PolyPhen-2, Align-GVGD) all suggest that this variant is likely to be tolerated, but these predictions have not been confirmed by published functional studies and their clinical significance is uncertain. This variant has not been reported in the literature in individuals with POLE-related conditions. This variant is not present in population databases (ExAC no frequency). This sequence change replaces glutamine with leucine at codon 1239 of the POLE protein (p.Gln1239Leu). The glutamine residue is highly conserved and there is a moderate physicochemical difference between glutamine and leucine.

PreventionGenetics, part of Exact Sciences
Classification: Uncertain significance for POLE-related condition. Last evaluated: 2023-11-17. Review status: no assertion criteria provided. Collection method: clinical testing. Allele origin: germline. Not counted in ClinVar's aggregate classification.
Comment: The POLE c.3716A>T variant is predicted to result in the amino acid substitution p.Gln1239Leu. To our knowledge, this variant has not been reported in the literature or in a large population database, indicating this variant is rare. This variant is interpreted as uncertain in ClinVar. Alternative variant at this codon (c.3715C>G, p.Gln1239Glu) has been observed in an individual with breast cancer and was assessed as variant of uncertain significance (Table S3, Guindalini et al. 2022. PubMed ID: 35264596). At this time, the clinical significance of this variant is uncertain due to the absence of conclusive functional and genetic evidence.